The following is an entry in ClinVar:

NM_001267550.2(TTN):c.44548+9A>G

Gene: TTN (titin; minus strand). Cytogenetic location: 2q31.2.
Variant type: single nucleotide variant.
Coding change: c.44548+9A>G on transcript NM_001267550.2 (MANE Select); 9 bases into the intron after coding-DNA position 44548, A replaced by G.
Molecular consequence: intron variant.
Genome position (GRCh38, 1-based): chr2:178,625,264, T>C on the plus strand (A>G on the coding strand, the complement: TTN is on the minus strand). VCF-style: chr2-178625264-T-C. GRCh37 (hg19) VCF-style: chr2-179489991-T-C.
Other names: p.?; c.44548+9A>G (LRG_391t1); c.39625+9A>G (NM_001256850.1); c.17353+9A>G (NM_003319.4); c.17929+9A>G (NM_133437.4); c.17728+9A>G (NM_133432.3); c.36844+9A>G (NM_133378.4).
Identifiers: ClinVar variation 378821 (VCV000378821.22), dbSNP rs372725070, ClinGen allele CA1995620.

ClinVar aggregate classification (germline): Benign/Likely benign. Review status: criteria provided, multiple submitters, no conflicts (2 of 4 stars). 12 submissions from 9 submitters: Benign (7); Likely benign (5). Last evaluated 2026-05-25.

Conditions:
Autosomal recessive limb-girdle muscular dystrophy type 2J (LGMDR10). Also called: Limb-girdle muscular dystrophy, type 2J; MUSCULAR DYSTROPHY, LIMB-GIRDLE, AUTOSOMAL RECESSIVE 10. Identifiers: Orphanet 140922, MedGen C1837342, MONDO:0012127, OMIM 608807.
Dilated cardiomyopathy 1G (CMD1G). Identifiers: Orphanet 154, MedGen C1858763, MONDO:0011400, OMIM 604145.
Tibial muscular dystrophy (TMD). Also called: UDD MYOPATHY; Tibial muscular dystrophy, tardive; Udd Distal Myopathy – Tibial Muscular Dystrophy. Identifiers: Orphanet 609, MedGen C1838244, MONDO:0010870, OMIM 600334.
Early-onset myopathy with fatal cardiomyopathy (CMYO5). Also called: Salih Myopathy; CONGENITAL MYOPATHY 5 WITH CARDIOMYOPATHY. Identifiers: Orphanet 289377, MedGen C2673677, MONDO:0012714, OMIM 611705. Disease mechanism: loss of function.
Myopathy, myofibrillar, 9, with early respiratory failure (MFM9). Also called: Hereditary myopathy with early respiratory failure; MYOPATHY, PROXIMAL, WITH EARLY RESPIRATORY MUSCLE INVOLVEMENT; EDSTROM MYOPATHY; Myopathy, distal, with early respiratory failure, autosomal dominant. Identifiers: Orphanet 178464, Orphanet 34521, MedGen C1863599, MONDO:0011362, OMIM 603689.

Allele frequency attached by ClinVar (database versions not stated): gnomAD exomes 0.00003 and 0.00014; ExAC 0.00015; TOPMed 0.00052; gnomAD 0.00054 and 0.00055; 1000 Genomes Project 0.00060; ESP Exome Variant Server 0.00076; 1000 Genomes Project 30x 0.00094.
gnomAD v4.1: 144 of 1,604,378 alleles (0.009%); highest among the groups gnomAD compares: African/African-American, 0.14%; no homozygotes.

Submissions (12):

Women's Health and Genetics/Laboratory Corporation of America, LabCorp
Classification: Likely benign. Last evaluated: 2026-05-25. Review status: criteria provided, single submitter. Criteria: LabCorp Variant Classification Summary - May 2015. Collection method: clinical testing. Allele origin: germline.

Labcorp Genetics (formerly Invitae), Labcorp
Classification: Benign for Dilated cardiomyopathy 1G; Autosomal recessive limb-girdle muscular dystrophy type 2J. Last evaluated: 2026-01-19. Review status: criteria provided, single submitter. Criteria: Invitae Variant Classification Sherloc (09022015). Collection method: clinical testing. Allele origin: germline.

ARUP Laboratories, Molecular Genetics and Genomics, ARUP Laboratories
Classification: Likely benign. Last evaluated: 2025-05-20. Review status: criteria provided, single submitter. Criteria: ARUP Molecular Germline Variant Investigation Process 2024. Collection method: clinical testing. Allele origin: germline.

Blueprint Genetics
Classification: Likely benign. Last evaluated: 2024-07-02. Review status: criteria provided, single submitter. Criteria: ACMG Guidelines, 2015. Collection method: clinical testing. Allele origin: germline.

Mayo Clinic Laboratories, Mayo Clinic
Classification: Likely benign. Last evaluated: 2022-11-02. Review status: criteria provided, single submitter. Criteria: ACMG Guidelines, 2015. Collection method: clinical testing. Allele origin: germline. Observed: 3 variant alleles.

Genome-Nilou Lab
Classification: Benign for Autosomal recessive limb-girdle muscular dystrophy type 2J. Last evaluated: 2021-09-10. Review status: criteria provided, single submitter. Criteria: ACMG Guidelines, 2015. Collection method: clinical testing. Allele origin: germline. Affected: no.

Genome-Nilou Lab
Classification: Benign for Myopathy, myofibrillar, 9, with early respiratory failure. Last evaluated: 2021-09-10. Review status: criteria provided, single submitter. Criteria: ACMG Guidelines, 2015. Collection method: clinical testing. Allele origin: germline. Affected: no.

Genome-Nilou Lab
Classification: Benign for Early-onset myopathy with fatal cardiomyopathy. Last evaluated: 2021-09-10. Review status: criteria provided, single submitter. Criteria: ACMG Guidelines, 2015. Collection method: clinical testing. Allele origin: germline. Affected: no.

Genome-Nilou Lab
Classification: Benign for Tibial muscular dystrophy. Last evaluated: 2021-09-10. Review status: criteria provided, single submitter. Criteria: ACMG Guidelines, 2015. Collection method: clinical testing. Allele origin: germline. Affected: no.

Eurofins Ntd Llc (ga)
Classification: Likely benign. Last evaluated: 2017-09-22. Review status: criteria provided, single submitter. Criteria: EGL Classification Definitions 2015. Collection method: clinical testing. Allele origin: germline. Observed: 1 variant allele, 1 heterozygote.

Athena Diagnostics
Classification: Benign. Last evaluated: 2017-06-20. Review status: criteria provided, single submitter. Criteria: Athena Diagnostics Criteria. Collection method: clinical testing. Allele origin: germline.

GeneDx
Classification: Benign. Last evaluated: 2015-09-22. Review status: criteria provided, single submitter. Criteria: GeneDx Variant Classification (06012015). Collection method: clinical testing. Allele origin: germline. Affected: yes.
Comment: This variant is considered likely benign or benign based on one or more of the following criteria: it is a conservative change, it occurs at a poorly conserved position in the protein, it is predicted to be benign by multiple in silico algorithms, and/or has population frequency not consistent with disease.